The following is an entry in ClinVar:

NM_080425.4(GNAS):c.669T>C (p.Thr223=)

Gene: GNAS (GNAS complex locus; plus strand). Cytogenetic location: 20q13.32.
Variant type: single nucleotide variant.
Coding change: c.669T>C on transcript NM_080425.4 (MANE Plus Clinical); coding-DNA position 669, T replaced by C.
Protein change: p.Thr223=; no amino-acid change (threonine 223 retained).
Molecular consequence: synonymous variant. On other transcripts: missense variant (2), intron variant (3).
Genome position (GRCh38, 1-based): chr20:58,853,934, T>C. VCF-style: chr20-58853934-T-C. GRCh37 (hg19) VCF-style: chr20-57428989-T-C.
Other names: c.482T>C, p.Leu161Pro (NM_001077490.3, NM_001309883.1); c.669T>C, p.Thr223= (NM_001410913.1); c.*42+13048T>C (NM_016592.5); c.43+13048T>C (NM_001410912.1); c.-39+12059T>C (NM_001309861.2); short protein forms L161P.
Identifiers: ClinVar variation 4538004 (VCV004538004.1).

ClinVar aggregate classification (germline): Uncertain significance (1 of 4 stars; one submission).

Submission:

GeneDx
Classification: Uncertain significance. Last evaluated: 2025-06-10. Review status: criteria provided, single submitter. Criteria: GeneDx Variant Classification Process June 2021. Collection method: clinical testing. Allele origin: germline. Affected: yes.
Comment: Not observed at significant frequency in large population cohorts (gnomAD); In silico analysis suggests that this missense variant does not alter protein structure/function; Has not been previously published as pathogenic or benign to our knowledge; Reported using an alternate transcript of the gene